The following is an entry in ClinVar:

ClinVar aggregate classification (germline): Likely pathogenic (1 of 4 stars; one submission).

Submission:

GeneDx
Classification: Likely pathogenic. Last evaluated: 2018-02-27. Review status: criteria provided, single submitter. Criteria: GeneDx Variant Classification (06012015). Collection method: clinical testing. Allele origin: germline. Affected: yes.
Comment: The c.1977+4A>T variant in the FGFR1 gene has not been reported previously as a pathogenic variant, nor as a benign variant, to our knowledge. This variant is predicted to damage the splice donor site in intron 14, and is expected to cause abnormal gene splicing. The c.1977+4A>T variant is not observed in large population cohorts (Lek et al., 2016). We interpret c.1977+4A>T as a likely pathogenic variant.

NM_023110.3(FGFR1):c.1977+4A>T

Gene: FGFR1 (fibroblast growth factor receptor 1; minus strand). Cytogenetic location: 8p11.23.
Variant type: single nucleotide variant.
Coding change: c.1977+4A>T on transcript NM_023110.3 (MANE Select); 4 bases into the intron after coding-DNA position 1977, A replaced by T.
Molecular consequence: intron variant.
Genome position (GRCh38, 1-based): chr8:38,414,775, T>A on the plus strand (A>T on the coding strand, the complement: FGFR1 is on the minus strand). VCF-style: chr8-38414775-T-A. GRCh37 (hg19) VCF-style: chr8-38272293-T-A.
Other names: c.1698+4A>T (NM_001354368.2); c.1704+4A>T (NM_001354370.2, NM_023106.3); c.1710+4A>T (NM_023105.3, NM_001174066.2); c.1971+4A>T (NM_001354367.2, NM_015850.4, NM_001174063.2 and 1 more transcripts); c.1947+4A>T (NM_001174064.2); c.1965+4A>T (NM_001354369.2); c.2070+4A>T (NM_001174067.2).
Identifiers: ClinVar variation 504395 (VCV000504395.2), dbSNP rs1554548102, ClinGen allele CA658797082.
Genomic context (GRCh38, chr8:38,414,775, plus strand): 5'-GCCCACCCCACTCCTTGCTTCTCAGATGAAACCACCAGCACAGGGCGGCCTTGTCGGCAC[T>A]CACGTTGGTTGTCTTTTTATAGTAGTCGATGTGGTGAATGTCCCGTGCGAGGCCAAAGTC-3'